The following is an entry in ClinVar:

NM_000492.4(CFTR):c.2936A>C (p.Asp979Ala)

Genes: CFTR-AS2 (CFTR antisense RNA 2; minus strand), CFTR (CF transmembrane conductance regulator; plus strand). Cytogenetic location: 7q31.2.
Variant type: single nucleotide variant.
Coding change: c.2936A>C on transcript NM_000492.4 (MANE Select); coding-DNA position 2936, A replaced by C.
Protein change: p.Asp979Ala; replaces aspartic acid 979 with alanine.
Molecular consequence: missense variant.
Genome position (GRCh38, 1-based): chr7:117,606,701, A>C. VCF-style: chr7-117606701-A-C. GRCh37 (hg19) VCF-style: chr7-117246755-A-C.
Other names: short protein forms D979A.
Identifiers: ClinVar variation 53602 (VCV000053602.75), dbSNP rs397508462, ClinGen allele CA326977.
Genomic context (GRCh38, chr7:117,606,701, plus strand): 5'-TTTTTGAGGAATTTGTCATCTTGTATATTATAGGTGGGATTCTTAATAGATTCTCCAAAG[A>C]TATAGCAATTTTGGATGACCTTCTGCCTCTTACCATATTTGACTTCATCCAGGTATGTAA-3'
Protein context (NP_000483.3, residues 969-989): AGGILNRFSK[Asp979Ala]IAILDDLLPL

ClinVar aggregate classification (germline): Conflicting classifications of pathogenicity. Review status: criteria provided, conflicting classifications (1 of 4 stars). 14 submissions from 14 submitters: Pathogenic (5); Likely pathogenic (5); Uncertain significance (2). 2 of the submissions do not count toward it. Last evaluated 2026-01-24.

Conditions:
CFTR-related disorder (CFTR-RD). Also called: CFTR-related condition; CFTR-related disorders. Identifiers: MedGen C5924204, MONDO:7770004.
Cystic fibrosis (CF). Also called: MUCOVISCIDOSIS. Identifiers: Orphanet 586, MedGen C0010674, MONDO:0009061, OMIM 219700. Disease mechanism: loss of function.
Congenital bilateral aplasia of vas deferens from CFTR mutation (CBAVD). Identifiers: Orphanet 48, MedGen C0403814, MONDO:0010178, OMIM 277180. Disease mechanism: loss of function.
Bronchiectasis with or without elevated sweat chloride 1 (BESC1). Also called: Cystic Fibrosis-Like Syndrome. Identifiers: Orphanet 60033, MedGen C2749757, MONDO:0008887, OMIM 211400.
Hereditary pancreatitis (PCTT). Also called: Hereditary chronic pancreatitis; PRSS1-Related Hereditary Pancreatitis. Identifiers: Orphanet 676, MedGen C0238339, MONDO:0008185, OMIM 167800.

Allele frequency attached by ClinVar (database versions not stated): gnomAD 0.00001; ExAC 0.00002; 1000 Genomes Project 30x 0.00031; 1000 Genomes Project 0.00040.
gnomAD v4.1: 14 of 1,591,906 alleles (0.00088%); highest among the groups gnomAD compares: East Asian, 0.029%; no homozygotes.

Submissions 1 to 6 of 14:

Labcorp Genetics (formerly Invitae), Labcorp
Classification: Pathogenic for Cystic fibrosis. Last evaluated: 2026-01-24. Review status: criteria provided, single submitter. Criteria: Invitae Variant Classification Sherloc (09022015). Collection method: clinical testing. Allele origin: germline.
Comment: This sequence change replaces aspartic acid, which is acidic and polar, with alanine, which is neutral and non-polar, at codon 979 of the CFTR protein (p.Asp979Ala). This variant is present in population databases (rs397508462, gnomAD 0.05%). This missense change has been observed in individual(s) with clinical features of CFTR-related conditions (PMID: 9272157, 9493456, 10376575, 32020786, 34782259, 35858753). In at least one individual the data is consistent with being in trans (on the opposite chromosome) from a pathogenic variant. ClinVar contains an entry for this variant (Variation ID: 53602). Invitae Evidence Modeling of protein sequence and biophysical properties (such as structural, functional, and spatial information, amino acid conservation, physicochemical variation, residue mobility, and thermodynamic stability) indicates that this missense variant is expected to disrupt CFTR protein function with a positive predictive value of 80%. Experimental studies have shown that this missense change affects CFTR function (PMID: 11118444). This variant disrupts the p.Asp979 amino acid residue in CFTR. Other variant(s) that disrupt this residue have been determined to be pathogenic (PMID: 9401110, 29805046). This suggests that this residue is clinically significant, and that variants that disrupt this residue are likely to be disease-causing. For these reasons, this variant has been classified as Pathogenic.

Otogenetics
Classification: Pathogenic for Cystic fibrosis; Congenital bilateral aplasia of vas deferens from CFTR mutation. Last evaluated: 2025-12-22. Review status: criteria provided, single submitter. Criteria: ACMG Guidelines, 2015. Collection method: clinical testing. Allele origin: germline.
Comment: PS3_Supporting: Well-established in vitro and in vivo functional studies supportive of damaging effect on the gene product, with low residual enzymatic activity relative to wild-type reported (PMID: 11118444); PM2: Maximum gnomAD MAF of 0.0489% in East Asian (EAS) subpopulation (<0.296% threshold); PM3_Strong: Variant reported in homozygous state in one affected individual and in trans with 2 pathogenic variants in 4 individuals affected with cystic fibrosis and CF-related disorders (PMID: 9272157, 10376575, 32020786, 38802912); PM5: Pathogenic missense amino acid changes occur in same position: c.2936A>T;p.Asp979Val (PMID: 30046002); PP3: In-silico models predict deleterious effect (Revel = 0.98, BayesDel = 0.58)

3billion
Classification: Likely pathogenic for Cystic fibrosis. Last evaluated: 2025-12-18. Review status: criteria provided, single submitter. Criteria: ACMG Guidelines, 2015. Collection method: clinical testing. Allele origin: germline. Affected: yes.
Comment: The variant is observed at an extremely low frequency in the gnomAD v4.1.0 dataset (total allele frequency: <0.001%). Predicted Consequence/Location: Missense variant In silico tool predictions suggest damaging effect of the variant on gene or gene product [REVEL: 0.99 (>=0.6, sensitivity 0.68 and specificity 0.92); 3Cnet: 0.96 (> 0.75, sensitivity 0.96 and precision 0.92)]. The same nucleotide change resulting in the same amino acid change has been previously reported as pathogenic/likely pathogenic with strong evidence (ClinVar ID: VCV000053602 /PMID: 9272157). A different missense change at the same codon (p.Asp979Val) has been reported as pathogenic/likely pathogenic with strong evidence (ClinVar ID: VCV000053603 /PMID: 9401110). Therefore, this variant is classified as Likely pathogenic according to the recommendation of ACMG/AMP guideline.

Natera, Inc.
Classification: Likely pathogenic for CFTR-related disorders. Last evaluated: 2025-12-02. Review status: criteria provided, single submitter. Criteria: Natera Variant Classification Schema (03/2026). Collection method: clinical testing. Allele origin: germline.
Comment: The c.2936A>C variant in CFTR is a missense variant predicted to cause substitution of aspartic acid to alanine at amino acid 979. This variant is rare in the general population with a frequency below the threshold expected for the associated phenotype(s). Functional studies show that this variant may disrupt protein function (PMID: 38388235). A different variant at the same position has been determined to be Pathogenic or Likely Pathogenic. Computational prediction algorithms indicate this variant is likely to affect gene or protein function. Given the available evidence, this variant is classified as Likely Pathogenic.

Ambry Genetics
Classification: Pathogenic for Cystic fibrosis. Last evaluated: 2025-08-20. Review status: criteria provided, single submitter. Criteria: Ambry Variant Classification Scheme 2023. Collection method: clinical testing. Allele origin: germline.
Comment: The p.D979A pathogenic mutation (also known as c.2936A>C), located in coding exon 18 of the CFTR gene, results from an A to C substitution at nucleotide position 2936. The aspartic acid at codon 979 is replaced by alanine, an amino acid with dissimilar properties. This variant has been identified in the homozygous state and/or in conjunction with other CFTR variant(s) in individual(s) with features consistent with cystic fibrosis (D&ouml;rk T et al. Hum. Genet., 1997 Sep;100:365-77; Mak V et al. JAMA, 1999 Jun;281:2217-24; Shen Y et al. J Med Genet, 2022 Jul;60:310-5). In one functional study, this alteration was analyzed as part of a complex allele (p.R347H-p.D979A). Authors found that the alteration led to misprocessing of CFTR and was critical for proper chloride channel function. In addition, they found that the complex allele combination led to a dramatic decrease in chloride current (Clain J et al. J. Biol. Chem., 2001 Mar;276:9045-9). In another assay testing CFTR function, this variant showed a functionally abnormal result (Bihler H et al. J Cyst Fibros, 2024 Jul;23:664-675). This amino acid position is highly conserved in available vertebrate species. In addition, this alteration is predicted to be deleterious by in silico analysis. Based on the supporting evidence, this variant is interpreted as a disease-causing mutation.

PreventionGenetics, part of Exact Sciences
Classification: Likely pathogenic for CFTR-related condition. Last evaluated: 2025-08-14. Review status: criteria provided, single submitter. Criteria: ACMG Guidelines, 2015. Collection method: clinical testing. Allele origin: germline.
Comment: The CFTR c.2936A>C variant is predicted to result in the amino acid substitution p.Asp979Ala. This variant, alternatively referred to as "A>C at 3068" and "D979A" in the literature, has been reported along with a second CFTR variant in an individual with congenital absence of vas deferens (Doerk et al. 1997. PubMed ID: 9272157; Mak et al. 1999. PubMed ID: 10376575) and in another individual with cystic fibrosis (CF) (e-Table 1, Shen et al. 2022. PubMed ID: 35858753). A functional study using HeLa cells showed defective protein processing (Clain et al. 2000. PubMed ID: 11118444). An alternate missense variant affecting the same amino acid (p.Asp979Val) has been reported as pathogenic (ClinVar ID: 53603). This variant is reported in 0.049% of alleles in individuals of East Asian descent in gnomAD. This variant is interpreted as likely pathogenic.